The following is an entry in ClinVar:

NM_182961.4(SYNE1):c.4088A>G (p.His1363Arg)

Gene: SYNE1 (spectrin repeat containing nuclear envelope protein 1; minus strand). Cytogenetic location: 6q25.2.
Variant type: single nucleotide variant.
Coding change: c.4088A>G on transcript NM_182961.4 (MANE Select); coding-DNA position 4088, A replaced by G.
Protein change: p.His1363Arg; replaces histidine 1363 with arginine.
Molecular consequence: missense variant.
Genome position (GRCh38, 1-based): chr6:152,441,191, T>C on the plus strand (A>G on the coding strand, the complement: SYNE1 is on the minus strand). VCF-style: chr6-152441191-T-C. GRCh37 (hg19) VCF-style: chr6-152762326-T-C.
Other names: c.4109A>G, p.His1370Arg (NM_033071.5); short protein forms H1363R, H1370R.
Identifiers: ClinVar variation 5041769 (VCV005041769.1).

ClinVar aggregate classification (germline): Uncertain significance (1 of 4 stars; one submission).

gnomAD v4.1: 3 of 1,613,602 alleles (0.00019%); highest among the groups gnomAD compares: Admixed American, 0.0033%; no homozygotes.

Submission:

CeGaT Center for Human Genetics Tuebingen
Classification: Uncertain significance. Last evaluated: 2026-09-01. Review status: criteria provided, single submitter. Criteria: CeGaT Center For Human Genetics Tuebingen Variant Classification Criteria Version 2. Collection method: clinical testing. Allele origin: germline. Affected: yes. Observed: 1 variant allele.
Comment: SYNE1: PM2